The following is an entry in ClinVar:

ClinVar aggregate classification (germline): Pathogenic. Review status: criteria provided, multiple submitters, no conflicts (2 of 4 stars). 2 submissions from 2 submitters: Pathogenic (2). Last evaluated 2026-03-25.

Conditions:
Hereditary cancer-predisposing syndrome. Also called: Tumor predisposition; Hereditary neoplastic syndrome; Neoplastic Syndromes, Hereditary; Hereditary Cancer Syndrome. Identifiers: Orphanet 140162, MedGen C0027672, MeSH D009386, MONDO:0015356.
Familial cancer of breast. Also called: hereditary breast carcinoma; Hereditary breast cancer; BREAST CANCER, FAMILIAL. Identifiers: Orphanet 227535, MedGen C0346153, MONDO:0016419, OMIM 114480. Disease mechanism: loss of function.

Submissions (2):

Ambry Genetics
Classification: Pathogenic for Hereditary cancer-predisposing syndrome. Last evaluated: 2026-03-25. Review status: criteria provided, single submitter. Criteria: Ambry Variant Classification Scheme 2023. Collection method: clinical testing. Allele origin: germline.
Comment: The p.E1081* pathogenic mutation (also known as c.3241G>T), located in coding exon 12 of the PALB2 gene, results from a G to T substitution at nucleotide position 3241. This changes the amino acid from a glutamic acid to a stop codon within coding exon 12. This variant is considered to be rare based on population cohorts in the Genome Aggregation Database (gnomAD). This alteration is expected to result in loss of function by premature protein truncation or nonsense-mediated mRNA decay. As such, this alteration is interpreted as a disease-causing mutation.

Myriad Genetics, Inc.
Classification: Pathogenic for Familial cancer of breast. Last evaluated: 2023-09-14. Review status: criteria provided, single submitter. Criteria: Myriad Autosomal Dominant, Autosomal Recessive and X-Linked Classification Criteria (2023). Collection method: clinical testing. Allele origin: unknown.
Comment: This variant is considered pathogenic. This variant creates a termination codon and is predicted to result in premature protein truncation.

NM_024675.4(PALB2):c.3241G>T (p.Glu1081Ter)

Gene: PALB2 (partner and localizer of BRCA2; minus strand). Cytogenetic location: 16p12.2.
Variant type: single nucleotide variant.
Coding change: c.3241G>T on transcript NM_024675.4 (MANE Select); coding-DNA position 3241, G replaced by T.
Protein change: p.Glu1081Ter; replaces glutamic acid 1081 with a stop codon.
Molecular consequence: nonsense. On other transcripts: intron variant (8).
Genome position (GRCh38, 1-based): chr16:23,607,973, C>A on the plus strand (G>T on the coding strand, the complement: PALB2 is on the minus strand). VCF-style: chr16-23607973-C-A. GRCh37 (hg19) VCF-style: chr16-23619294-C-A.
Other names: c.1414-4304G>T (NM_001407313.1); c.3040-4304G>T (NM_001407302.1); c.3114-4304G>T (NM_001407299.1); c.3202-4304G>T (NM_001407301.1); c.2229-4304G>T (NM_001407309.1, NM_001407308.1); c.2317-4304G>T (NM_001407311.1, NM_001407310.1); c.3181G>T, p.Glu1061Ter (NM_001407296.1); c.3169G>T, p.Glu1057Ter (NM_001407297.1); and 6 more; short protein forms E1027*, E1057*, E1061*, E1081*, E259*, E485*, E732*, E786*.
Identifiers: ClinVar variation 2674080 (VCV002674080.2), dbSNP rs2142273676, ClinGen allele CA395139906.